The following is an entry in ClinVar:

ClinVar aggregate classification (germline): Pathogenic. Review status: criteria provided, multiple submitters, no conflicts (2 of 4 stars). 3 submissions from 3 submitters: Pathogenic (2). 1 of the submissions does not count toward it. Last evaluated 2024-05-14.

Conditions:
Neurometabolic disorder due to serine deficiency. Identifiers: Orphanet 35705, MedGen C5680148, MONDO:0018162.
PHGDH deficiency. Identifiers: Orphanet 79351, MedGen C1866174, MONDO:0011152, OMIM 601815.

Submissions (3):

Myriad Genetics, Inc.
Classification: Pathogenic for Neurometabolic disorder due to serine deficiency. Last evaluated: 2024-05-14. Review status: criteria provided, single submitter. Criteria: Myriad Autosomal Dominant, Autosomal Recessive and X-Linked Classification Criteria (2023). Collection method: clinical testing. Allele origin: unknown.
Comment: NM_006623.3(PHGDH):c.714delG(I239Sfs*69) is expected to be pathogenic in the context of serine deficiency disorder, PHGDH-related. This variant is predicted to lead to an abnormal or absent protein product due to the creation of a premature termination codon in PHGDH, a gene where loss-of-function variants are known to be pathogenic. Please note: this variant was assessed in the context of healthy population screening.

Labcorp Genetics (formerly Invitae), Labcorp
Classification: Pathogenic for PHGDH deficiency. Last evaluated: 2024-03-26. Review status: criteria provided, single submitter. Criteria: Invitae Variant Classification Sherloc (09022015). Collection method: clinical testing. Allele origin: germline.
Comment: This sequence change creates a premature translational stop signal (p.Ile239Serfs*69) in the PHGDH gene. It is expected to result in an absent or disrupted protein product. Loss-of-function variants in PHGDH are known to be pathogenic (PMID: 14645240, 24836451). This variant is not present in population databases (gnomAD no frequency). This premature translational stop signal has been observed in individual(s) with phosphoglycerate dehydrogenase deficiency (PMID: 19235232). This variant is also known as c.712delG (p.G238fsX). ClinVar contains an entry for this variant (Variation ID: 3869). For these reasons, this variant has been classified as Pathogenic.

OMIM
Classification: Pathogenic for PHOSPHOGLYCERATE DEHYDROGENASE DEFICIENCY. Last evaluated: 2009-05-01. Review status: no assertion criteria provided. Collection method: literature only. Allele origin: germline. Not counted in ClinVar's aggregate classification.

Literature cited by the submitters: PubMed 14645240 (cited by Labcorp Genetics (formerly Invitae), Labcorp); PubMed 24836451 (cited by Labcorp Genetics (formerly Invitae), Labcorp); PubMed 19235232 (cited by Labcorp Genetics (formerly Invitae), Labcorp and OMIM).

NM_006623.4(PHGDH):c.714del (p.Ile239fs)

Gene: PHGDH (phosphoglycerate dehydrogenase; plus strand). Cytogenetic location: 1p12.
Variant type: Deletion.
Coding change: c.714del on transcript NM_006623.4 (MANE Select); coding-DNA position 714, one base deleted (G; older notation c.714delG).
Protein change: p.Ile239fs; shifts the reading frame from isoleucine 239.
Molecular consequence: frameshift variant.
Genome position (GRCh38, 1-based): chr1:119,735,365, G deleted; the last of 3 consecutive G bases (chr1:119,735,363-119,735,365); deleting any one gives the same sequence. VCF-style (leftmost placement, unchanged base first): chr1-119735362-AG-A. GRCh37 (hg19) VCF-style: chr1-120277985-AG-A.
Other names: short protein forms I239fs.
Identifiers: ClinVar variation 3869 (VCV000003869.6), dbSNP rs730882181, ClinGen allele CA116477.